The following is an entry in ClinVar:

ClinVar aggregate classification (germline): Uncertain significance (1 of 4 stars; one submission).

gnomAD v4.1: 6 of 1,612,608 alleles (0.00037%); highest among the groups gnomAD compares: Non-Finnish European, 0.00051%; no homozygotes.

Submission:

Ambry Genetics
Classification: Uncertain significance. Last evaluated: 2026-04-29. Review status: criteria provided, single submitter. Criteria: Ambry Variant Classification Scheme 2023. Collection method: clinical testing. Allele origin: germline.
Comment: The p.*792Cext*21 variant (also known as c.2376A>T), located in coding exon 13 of the ATRIP gene, results from an A to T substitution at nucleotide position 2376, which is the last nucleotide of the ATRIP gene. The stop codon at position 792 is replaced by Cysteine, resulting in an elongation of the protein by 21 amino acids. The evidence for this gene-disease relationship is limited; therefore, the clinical significance of this variant is unclear.

NM_130384.3(ATRIP):c.2376A>T (p.Ter792Cys)

Genes: ATRIP (ATR interacting protein; plus strand), ATRIP-TREX1 (ATRIP-TREX1 readthrough; plus strand). Cytogenetic location: 3p21.31.
Variant type: single nucleotide variant.
Coding change: c.2376A>T on transcript NM_130384.3 (MANE Select); coding-DNA position 2376, A replaced by T.
Protein change: p.Ter792Cys.
Molecular consequence: stop lost. On other transcripts: non-coding transcript variant (1).
Genome position (GRCh38, 1-based): chr3:48,465,554, A>T. VCF-style: chr3-48465554-A-T. GRCh37 (hg19) VCF-style: chr3-48506953-A-T.
Other names: c.-782A>T (NM_033629.4); c.1995A>T, p.Ter665Cys (NM_001271022.2); c.2097A>T, p.Ter699Cys (NM_001271023.2); c.2295A>T, p.Ter765Cys (NM_032166.4).
Identifiers: ClinVar variation 4867180 (VCV004867180.1).